The following is an entry in ClinVar:

ClinVar aggregate classification (germline): Uncertain significance (1 of 4 stars; one submission).

Conditions:
Duchenne muscular dystrophy (DMD). Also called: MUSCULAR DYSTROPHY, PSEUDOHYPERTROPHIC PROGRESSIVE, DUCHENNE TYPE; Duchenne Muscular Dystrophy (DMD). Identifiers: Orphanet 98896, MedGen C0013264, MONDO:0010679, OMIM 310200.

gnomAD v4.1: 3 of 1,208,827 alleles (0.00025%); highest among the groups gnomAD compares: Admixed American, 0.0022%; no homozygotes.

Submission:

Labcorp Genetics (formerly Invitae), Labcorp
Classification: Uncertain significance for Duchenne muscular dystrophy. Last evaluated: 2026-01-14. Review status: criteria provided, single submitter. Criteria: Invitae Variant Classification Sherloc (09022015). Collection method: clinical testing. Allele origin: germline.
Comment: This sequence change replaces alanine, which is neutral and non-polar, with proline, which is neutral and non-polar, at codon 304 of the DMD protein (p.Ala304Pro). This variant is present in population databases (rs780924717, gnomAD 0.004%). This variant has not been reported in the literature in individuals affected with DMD-related conditions. ClinVar contains an entry for this variant (Variation ID: 3628061). Invitae Evidence Modeling of protein sequence and biophysical properties (such as structural, functional, and spatial information, amino acid conservation, physicochemical variation, residue mobility, and thermodynamic stability) indicates that this missense variant is not expected to disrupt DMD protein function with a negative predictive value of 95%. In summary, the available evidence is currently insufficient to determine the role of this variant in disease. Therefore, it has been classified as a Variant of Uncertain Significance.

NM_004006.3(DMD):c.910G>C (p.Ala304Pro)

Gene: DMD (dystrophin; minus strand). Cytogenetic location: Xp21.1.
Variant type: single nucleotide variant.
Coding change: c.910G>C on transcript NM_004006.3 (MANE Select); coding-DNA position 910, G replaced by C.
Protein change: p.Ala304Pro; replaces alanine 304 with proline.
Molecular consequence: missense variant.
Genome position (GRCh38, 1-based): chrX:32,697,920, C>G on the plus strand (G>C on the coding strand, the complement: DMD is on the minus strand). VCF-style: chrX-32697920-C-G. GRCh37 (hg19) VCF-style: chrX-32716037-C-G.
Other names: c.886G>C, p.Ala296Pro (NM_000109.4); c.898G>C, p.Ala300Pro (NM_004009.3); c.541G>C, p.Ala181Pro (NM_004010.3); short protein forms A181P, A296P, A300P, A304P.
Identifiers: ClinVar variation 3628061 (VCV003628061.2).